The following is an entry in ClinVar:

ClinVar aggregate classification (germline): Uncertain significance (1 of 4 stars; one submission).

Submission:

Ambry Genetics
Classification: Uncertain significance. Last evaluated: 2023-03-12. Review status: criteria provided, single submitter. Criteria: Ambry Variant Classification Scheme 2023. Collection method: clinical testing. Allele origin: germline.
Comment: The p.Q917R variant (also known as c.2750A>G), located in coding exon 1 of the MLH3 gene, results from an A to G substitution at nucleotide position 2750. The glutamine at codon 917 is replaced by arginine, an amino acid with highly similar properties. This amino acid position is conserved. In addition, this alteration is predicted to be tolerated by in silico analysis. Since supporting evidence is limited at this time, the clinical significance of this alteration remains unclear.

NM_001040108.2(MLH3):c.2750A>G (p.Gln917Arg)

Gene: MLH3 (mutL homolog 3; minus strand). Cytogenetic location: 14q24.3.
Variant type: single nucleotide variant.
Coding change: c.2750A>G on transcript NM_001040108.2 (MANE Select); coding-DNA position 2750, A replaced by G.
Protein change: p.Gln917Arg; replaces glutamine 917 with arginine.
Molecular consequence: missense variant.
Genome position (GRCh38, 1-based): chr14:75,046,906, T>C on the plus strand (A>G on the coding strand, the complement: MLH3 is on the minus strand). VCF-style: chr14-75046906-T-C. GRCh37 (hg19) VCF-style: chr14-75513609-T-C.
Other names: c.2750A>G, p.Gln917Arg (NM_014381.3); short protein forms Q917R.
Identifiers: ClinVar variation 2448687 (VCV002448687.2), dbSNP rs2503262054, ClinGen allele CA390438709.